The following is an entry in ClinVar:

ClinVar aggregate classification (germline): Uncertain significance (1 of 4 stars; one submission).

Conditions:
FRONTOTEMPORAL LOBAR DEGENERATION WITH TDP43 INCLUSIONS, TARDBP-RELATED. Also called: Frontotemporal lobar degeneration, TARDBP-related. Identifiers: MedGen C3150169, OMIM 612069.
Amyotrophic lateral sclerosis type 10 (ALS10). Also called: TARDBP-Related Amyotrophic Lateral Sclerosis-Frontotemporal Dementia; Amyotrophic lateral sclerosis 10, with or without FTD; AMYOTROPHIC LATERAL SCLEROSIS 10 WITHOUT FRONTOTEMPORAL DEMENTIA AND WITH TDP43 INCLUSIONS; AMYOTROPHIC LATERAL SCLEROSIS 10 WITH OR WITHOUT FRONTOTEMPORAL DEMENTIA AND WITH TDP43 INCLUSIONS; AMYOTROPHIC LATERAL SCLEROSIS 10 WITH OR WITHOUT FRONTOTEMPORAL DEMENTIA. Identifiers: Orphanet 275872, Orphanet 803, MedGen C2677565, MONDO:0012790, OMIM 612069.

Allele frequency attached by ClinVar (database versions not stated): gnomAD exomes below 0.00001.
gnomAD v4.1: 2 of 1,613,864 alleles (0.00012%); highest among the groups gnomAD compares: Non-Finnish European, 0.00017%; no homozygotes.

Submission:

Labcorp Genetics (formerly Invitae), Labcorp
Classification: Uncertain significance for Amyotrophic lateral sclerosis type 10; FRONTOTEMPORAL LOBAR DEGENERATION WITH TDP43 INCLUSIONS, TARDBP-RELATED. Last evaluated: 2022-08-08. Review status: criteria provided, single submitter. Criteria: Invitae Variant Classification Sherloc (09022015). Collection method: clinical testing. Allele origin: germline.
Comment: This variant is not present in population databases (gnomAD no frequency). This sequence change replaces alanine, which is neutral and non-polar, with valine, which is neutral and non-polar, at codon 315 of the TARDBP protein (p.Ala315Val). This variant has not been reported in the literature in individuals affected with TARDBP-related conditions. Algorithms developed to predict the effect of missense changes on protein structure and function (SIFT, PolyPhen-2, Align-GVGD) all suggest that this variant is likely to be tolerated. This variant disrupts the p.Ala315 amino acid residue in TARDBP. Other variant(s) that disrupt this residue have been determined to be pathogenic (PMID: 18288693, 20031275, 25681989, 29411640). This suggests that this residue is clinically significant, and that variants that disrupt this residue are likely to be disease-causing. In summary, the available evidence is currently insufficient to determine the role of this variant in disease. Therefore, it has been classified as a Variant of Uncertain Significance.

Literature cited by the submitters: PubMed 18288693; PubMed 20031275; PubMed 25681989; PubMed 29411640.

NM_007375.4(TARDBP):c.944C>T (p.Ala315Val)

Gene: TARDBP (TAR DNA binding protein; plus strand). Cytogenetic location: 1p36.22.
Variant type: single nucleotide variant.
Coding change: c.944C>T on transcript NM_007375.4 (MANE Select); coding-DNA position 944, C replaced by T.
Protein change: p.Ala315Val; replaces alanine 315 with valine.
Molecular consequence: missense variant.
Genome position (GRCh38, 1-based): chr1:11,022,353, C>T. VCF-style: chr1-11022353-C-T. GRCh37 (hg19) VCF-style: chr1-11082410-C-T.
Other names: short protein forms A315V.
Identifiers: ClinVar variation 1951906 (VCV001951906.5), dbSNP rs1557660280, ClinGen allele CA338366605.